The following is an entry in ClinVar:

ClinVar aggregate classification (germline): Uncertain significance (1 of 4 stars; one submission).

gnomAD v4.1: 20 of 1,613,824 alleles (0.0012%); highest among the groups gnomAD compares: East Asian, 0.0022%; no homozygotes.

Submission:

Labcorp Genetics (formerly Invitae), Labcorp
Classification: Uncertain significance. Last evaluated: 2026-01-11. Review status: criteria provided, single submitter. Criteria: Invitae Variant Classification Sherloc (09022015). Collection method: clinical testing. Allele origin: germline.
Comment: This sequence change replaces alanine, which is neutral and non-polar, with threonine, which is neutral and polar, at codon 534 of the DBR1 protein (p.Ala534Thr). This variant is present in population databases (rs765621952, gnomAD 0.006%). This variant has not been reported in the literature in individuals affected with DBR1-related conditions. An algorithm developed to predict the effect of missense changes on protein structure and function outputs the following: PolyPhen-2: "Not Available". The threonine amino acid residue is found in multiple mammalian species, which suggests that this missense change does not adversely affect protein function. In summary, the available evidence is currently insufficient to determine the role of this variant in disease. Therefore, it has been classified as a Variant of Uncertain Significance.

NM_016216.4(DBR1):c.1600G>A (p.Ala534Thr)

Gene: DBR1 (debranching RNA lariats 1; minus strand). Cytogenetic location: 3q22.3.
Variant type: single nucleotide variant.
Coding change: c.1600G>A on transcript NM_016216.4 (MANE Select); coding-DNA position 1600, G replaced by A.
Protein change: p.Ala534Thr; replaces alanine 534 with threonine.
Molecular consequence: missense variant.
Genome position (GRCh38, 1-based): chr3:138,161,924, C>T on the plus strand (G>A on the coding strand, the complement: DBR1 is on the minus strand). VCF-style: chr3-138161924-C-T. GRCh37 (hg19) VCF-style: chr3-137880766-C-T.
Other names: short protein forms A534T.
Identifiers: ClinVar variation 4808181 (VCV004808181.1).
Genomic context (GRCh38, chr3:138,161,924, plus strand): 5'-ACAAAAACAAAACAAGTAAATCATCTTAAGCTGCATCGTCATCATCATCATCCACTGCAG[C>T]GTAAATGGCTTGATTCCTCCTCTTAATTTTCTTTCTTTGTTCAGGTTCATGTTCATCACT-3'
Protein context (NP_057300.2, residues 524-544): KIKRRNQAIY[Ala534Thr]AVDDDDDDAA